The following is an entry in ClinVar:

NM_001375978.1(CHRM3):c.1331A>C (p.Asn444Thr)

Gene: CHRM3 (cholinergic receptor muscarinic 3; plus strand). Cytogenetic location: 1q43.
Variant type: single nucleotide variant.
Coding change: c.1331A>C on transcript NM_001375978.1 (MANE Select); coding-DNA position 1331, A replaced by C.
Protein change: p.Asn444Thr; replaces asparagine 444 with threonine.
Molecular consequence: missense variant.
Genome position (GRCh38, 1-based): chr1:239,908,782, A>C. VCF-style: chr1-239908782-A-C. GRCh37 (hg19) VCF-style: chr1-240072082-A-C.
Other names: c.1331A>C, p.Asn444Thr (NM_000740.4, NM_001347716.2, NM_001375979.1 and 6 more transcripts); c.1331A>C (NM_000740.2, NM_000740.3); short protein forms N444T.
Identifiers: ClinVar variation 2048874 (VCV002048874.8), dbSNP rs200801228, ClinGen allele CA1475924.

ClinVar aggregate classification (germline): Uncertain significance. Review status: criteria provided, multiple submitters, no conflicts (2 of 4 stars). 3 submissions from 3 submitters: Uncertain significance (3). Last evaluated 2025-08-25.

Conditions:
Prune belly syndrome. Also called: Prune belly. Identifiers: Orphanet 2970, MedGen C0033770, MONDO:0007032, OMIM 100100, HP:0004392.

Allele frequency attached by ClinVar (database versions not stated): TOPMed 0.00010; ExAC 0.00011; gnomAD 0.00012; ESP Exome Variant Server 0.00031.
gnomAD v4.1: 232 of 1,613,580 alleles (0.014%); highest among the groups gnomAD compares: Non-Finnish European, 0.018%; no homozygotes.

Submissions (3):

Ambry Genetics
Classification: Uncertain significance. Last evaluated: 2025-08-25. Review status: criteria provided, single submitter. Criteria: Ambry Variant Classification Scheme 2023. Collection method: clinical testing. Allele origin: germline.

Fulgent Genetics
Classification: Uncertain significance for Prune belly syndrome. Last evaluated: 2023-12-28. Review status: criteria provided, single submitter. Criteria: ACMG Guidelines, 2015. Collection method: clinical testing. Allele origin: germline.

Labcorp Genetics (formerly Invitae), Labcorp
Classification: Uncertain significance. Last evaluated: 2021-12-23. Review status: criteria provided, single submitter. Criteria: Invitae Variant Classification Sherloc (09022015). Collection method: clinical testing. Allele origin: germline.
Comment: This sequence change replaces asparagine, which is neutral and polar, with threonine, which is neutral and polar, at codon 444 of the CHRM3 protein (p.Asn444Thr). This variant is present in population databases (rs200801228, gnomAD 0.02%). This variant has not been reported in the literature in individuals affected with CHRM3-related conditions. Algorithms developed to predict the effect of missense changes on protein structure and function output the following: SIFT: "Tolerated"; PolyPhen-2: "Benign"; Align-GVGD: "Class C0". The threonine amino acid residue is found in multiple mammalian species, which suggests that this missense change does not adversely affect protein function. In summary, the available evidence is currently insufficient to determine the role of this variant in disease. Therefore, it has been classified as a Variant of Uncertain Significance.